The following is an entry in ClinVar:

ClinVar aggregate classification (germline): Uncertain significance. Review status: criteria provided, single submitter (1 of 4 stars). 2 submissions from 1 submitter: Uncertain significance (2). Last evaluated 2022-03-04.

Conditions:
Inborn genetic diseases. Identifiers: MedGen C0950123, MeSH D030342.
Cardiovascular phenotype. Identifiers: MedGen CN230736.
Hereditary cancer-predisposing syndrome. Also called: Neoplastic Syndromes, Hereditary; Tumor predisposition; Hereditary Cancer Syndrome; Hereditary neoplastic syndrome. Identifiers: Orphanet 140162, MedGen C0027672, MeSH D009386, MONDO:0015356.

Submissions (2):

Ambry Genetics
Classification: Uncertain significance for Inborn genetic diseases. Last evaluated: 2022-03-04. Review status: criteria provided, single submitter. Criteria: Ambry General Variant Classification Scheme_2022. Collection method: clinical testing. Allele origin: germline. Observed: 1 variant allele.
Comment: The c.676_696dup21 (p.P226_P232dup) alteration is located in exon 8 (coding exon 8) of the LZTR1 gene. The alteration consists of an in-frame duplication of 21 nucleotides from position 676 to 696, resulting in the duplication of 7 residues. Based on insufficient or conflicting evidence, the clinical significance of this alteration remains unclear.

Ambry Genetics
Classification: Uncertain significance for Cardiovascular phenotype; Hereditary cancer-predisposing syndrome. Last evaluated: 2022-01-06. Review status: criteria provided, single submitter. Criteria: Ambry General Variant Classification Scheme_2022. Collection method: clinical testing. Allele origin: germline. Observed: 1 variant allele.
Comment: The c.676_696dup21 variant (also known as p.P226_P232dup), located in coding exon 8 of the LZTR1 gene, results from an in-frame duplication of 21 nucleotides at nucleotide positions 676 to 696. This results in the duplication of 7 extra residues (PSCCNFP) between codons 226 and 232. This amino acid region is highly conserved in available vertebrate species. Based on internal structural analysis, P226_P232dup disrupts the Kelch motif IV in the Kelch domain of LZTR1, a region important to function (Ambry internal data). Since supporting evidence is limited at this time, the clinical significance of this alteration remains unclear.

NM_006767.4(LZTR1):c.676_696dup (p.Pro232_Val233insProSerCysCysAsnPhePro)

Gene: LZTR1 (leucine zipper like post translational regulator 1; plus strand). Cytogenetic location: 22q11.21.
Variant type: Duplication.
Coding change: c.676_696dup on transcript NM_006767.4 (MANE Select); coding-DNA positions 676 to 696, 21 bases duplicated (CCATCTTGCTGCAACTTCCCC).
Protein change: p.Pro232_Val233insProSerCysCysAsnPhePro.
Molecular consequence: inframe insertion.
Genome position (GRCh38, 1-based): chr22:20,990,410-20,990,430, CCATCTTGCTGCAACTTCCCC duplicated; duplicating any 21 consecutive bases within chr22:20,990,405-20,990,430 gives the same sequence; the c. name uses the placement nearest the transcript's 3' end. VCF-style (leftmost placement, unchanged base first): chr22-20990404-A-ATCCCCCCATCTTGCTGCAACT. GRCh37 (hg19) VCF-style: chr22-21344693-A-ATCCCCCCATCTTGCTGCAACT.
Other names: c.676_696dup21 (NM_006767.3).
Identifiers: ClinVar variation 1755311 (VCV001755311.3), dbSNP rs2518615676, ClinGen allele CA2580099200.